The following is an entry in ClinVar:

ClinVar aggregate classification (germline): Uncertain significance. Review status: criteria provided, single submitter (1 of 4 stars). 2 submissions from 2 submitters: Uncertain significance (1). 1 of the submissions does not count toward it. Last evaluated 2022-05-19.

Conditions:
Meckel-Gruber syndrome. Also called: DYSENCEPHALIA SPLANCHNOCYSTICA; GRUBER SYNDROME; Dysencephalia splachnocystica. Identifiers: Orphanet 564, MedGen C0265215, MONDO:0018921.
Nephronophthisis. Also called: Juvenile Nephronophthisis. Identifiers: Orphanet 655, MedGen C0687120, MONDO:0019005, HP:0000090.
Joubert syndrome. Also called: CEREBELLOPARENCHYMAL DISORDER IV; JOUBERT-BOLTSHAUSER SYNDROME; Familial aplasia of the vermis. Identifiers: Orphanet 475, MedGen C5979921, MONDO:0018772.
Leber congenital amaurosis (LCA). Also called: Leber's amaurosis. Identifiers: Orphanet 65, MedGen C0339527, MeSH D057130, MONDO:0018998.

Allele frequency attached by ClinVar (database versions not stated): ExAC below 0.00001; TOPMed below 0.00001; gnomAD 0.00001; gnomAD exomes 0.00002 and 0.00005.
gnomAD v4.1: 66 of 1,491,288 alleles (0.0044%); highest among the groups gnomAD compares: Non-Finnish European, 0.0058%; no homozygotes.

Submissions (2):

Labcorp Genetics (formerly Invitae), Labcorp
Classification: Uncertain significance for Joubert syndrome; Meckel-Gruber syndrome; Nephronophthisis. Last evaluated: 2022-05-19. Review status: criteria provided, single submitter. Criteria: Invitae Variant Classification Sherloc (09022015). Collection method: clinical testing. Allele origin: germline.
Comment: This sequence change replaces serine, which is neutral and polar, with cysteine, which is neutral and slightly polar, at codon 348 of the CEP290 protein (p.Ser348Cys). This variant is present in population databases (rs753281190, gnomAD 0.004%). This variant has not been reported in the literature in individuals affected with CEP290-related conditions. ClinVar contains an entry for this variant (Variation ID: 838937). Algorithms developed to predict the effect of missense changes on protein structure and function are either unavailable or do not agree on the potential impact of this missense change (SIFT: "Deleterious"; PolyPhen-2: "Possibly Damaging"; Align-GVGD: "Class C0"). In summary, the available evidence is currently insufficient to determine the role of this variant in disease. Therefore, it has been classified as a Variant of Uncertain Significance.

Natera, Inc.
Classification: Uncertain significance for Leber congenital amaurosis. Last evaluated: 2021-09-08. Review status: no assertion criteria provided. Collection method: clinical testing. Allele origin: germline. Not counted in ClinVar's aggregate classification.

NM_025114.4(CEP290):c.1042A>T (p.Ser348Cys)

Gene: CEP290 (centrosomal protein 290; minus strand). Cytogenetic location: 12q21.32.
Variant type: single nucleotide variant.
Coding change: c.1042A>T on transcript NM_025114.4 (MANE Select); coding-DNA position 1042, A replaced by T.
Protein change: p.Ser348Cys; replaces serine 348 with cysteine.
Molecular consequence: missense variant.
Genome position (GRCh38, 1-based): chr12:88,126,339, T>A on the plus strand (A>T on the coding strand, the complement: CEP290 is on the minus strand). VCF-style: chr12-88126339-T-A. GRCh37 (hg19) VCF-style: chr12-88520116-T-A.
Other names: short protein forms S348C.
Identifiers: ClinVar variation 838937 (VCV000838937.7), dbSNP rs753281190, ClinGen allele CA6712633.